The following is an entry in ClinVar:

NM_178844.4(NLRC3):c.2100-49C>A

Gene: NLRC3 (NLR family CARD domain containing 3; minus strand). Cytogenetic location: 16p13.3.
Variant type: single nucleotide variant.
Coding change: c.2100-49C>A on transcript NM_178844.4 (MANE Select); 49 bases into the intron before coding-DNA position 2100, C replaced by A.
Molecular consequence: intron variant.
Genome position (GRCh38, 1-based): chr16:3,557,043, G>T on the plus strand (C>A on the coding strand, the complement: NLRC3 is on the minus strand). VCF-style: chr16-3557043-G-T. GRCh37 (hg19) VCF-style: chr16-3607044-G-T.
Identifiers: ClinVar variation 103365 (VCV000103365.2), dbSNP rs199476281, ClinGen allele CA230478.
Genomic context (GRCh38, chr16:3,557,043, plus strand): 5'-TTACCGCGGAGGCTGAAGGAAGAGAGAAAGAGACACCTCCTTCATCTGTCTCCCAGAGAG[G>T]GAAGGGGAAACAGAAACTGCATTGACCTTGAAATTCGTGATCCTCTAAGGGAATGTGTAA-3'

ClinVar aggregate classification (germline): not provided (0 of 4 stars; one submission).

Allele frequency attached by ClinVar (database versions not stated): TOPMed 0.00020; ESP Exome Variant Server 0.00025.
gnomAD v4.1: 215 of 1,332,818 alleles (0.016%); highest among the groups gnomAD compares: Admixed American, 0.12%; no homozygotes.

Submission:

Human Evolutionary Genetics, Institut Pasteur
No classification provided. Review status: no classification provided. Collection method: not provided. Allele origin: germline.
ClinVar note: Converted during submission from untested to not provided.